The following is an entry in ClinVar:

NM_005055.5(RAPSN):c.633_642del (p.His211fs)

Gene: RAPSN (receptor associated protein of the synapse; minus strand). Cytogenetic location: 11p11.2.
Variant type: Deletion.
Coding change: c.633_642del on transcript NM_005055.5 (MANE Select); coding-DNA positions 633 to 642, 10 bases deleted (CATGGCCGTG; older notation c.633_642delCATGGCCGTG).
Protein change: p.His211fs; shifts the reading frame from histidine 211.
Molecular consequence: frameshift variant. On other transcripts: intron variant (4).
Genome position (GRCh38, 1-based): chr11:47,442,704-47,442,713, CACGGCCATG deleted on the plus strand (CATGGCCGTG on the coding strand, the reverse complement: RAPSN is on the minus strand). VCF-style (leftmost placement, unchanged base first): chr11-47442703-CCACGGCCATG-C. GRCh37 (hg19) VCF-style: chr11-47464255-CCACGGCCATG-C.
Other names: c.633_642del, p.His211fs (NM_001440490.1, NM_001440491.1, NM_001440492.1 and 8 more transcripts); c.294_303del, p.His98fs (NM_001440504.1); c.532-792_532-783del (NM_001440503.1, NM_001440493.1, NM_001440502.1 and 1 more transcripts); short protein forms H211fs, H98fs.
Identifiers: ClinVar variation 4815408 (VCV004815408.1).
Genomic context (GRCh38, chr11:47,442,703, plus strand): 5'-CCCGCTGCCCCACCTCACAACACTCCATGGCACTGCCCAGGCGGCCCAGCAGGCGATAGG[CCACGGCCATG>C]TGGTACTGGCTCATGGCCCGGTACTTCAGGCTCCAGCCTTTGCCATAGTTGTTGACAAGC-3'

ClinVar aggregate classification (germline): Likely pathogenic (1 of 4 stars; one submission).

Conditions:
Congenital myasthenic syndrome (CMS). Also called: Congenital Myasthenic Syndromes. Identifiers: Orphanet 590, MedGen C0751882, MeSH D020294, MONDO:0018940.

Submission:

Natera, Inc.
Classification: Likely pathogenic for Congenital myasthenic syndrome. Last evaluated: 2024-10-29. Review status: criteria provided, single submitter. Criteria: Natera Variant Classification Schema (03/2026). Collection method: clinical testing. Allele origin: germline.
Comment: The c.633_642del variant in RAPSN is a frameshift variant predicted to shift the reading frame beginning at codon 211 and leads to a stop codon 20 codons downstream. This variant is expected to result in nonsense mediated decay, truncation, or a dysfunctional protein product. This variant is rare in the general population with a frequency below the threshold expected for the associated phenotype(s). Given the available evidence, this variant is classified as Likely Pathogenic.